The following is an entry in ClinVar:

NM_173630.4(RTTN):c.5941T>G (p.Phe1981Val)

Gene: RTTN (rotatin; minus strand). Cytogenetic location: 18q22.2.
Variant type: single nucleotide variant.
Coding change: c.5941T>G on transcript NM_173630.4 (MANE Select); coding-DNA position 5941, T replaced by G.
Protein change: p.Phe1981Val; replaces phenylalanine 1981 with valine.
Molecular consequence: missense variant.
Genome position (GRCh38, 1-based): chr18:70,024,731, A>C on the plus strand (T>G on the coding strand, the complement: RTTN is on the minus strand). VCF-style: chr18-70024731-A-C. GRCh37 (hg19) VCF-style: chr18-67691967-A-C.
Other names: c.3205T>G, p.Phe1069Val (NM_001318520.2); short protein forms F1069V, F1981V.
Identifiers: ClinVar variation 3906734 (VCV003906734.1).

ClinVar aggregate classification (germline): Uncertain significance (1 of 4 stars; one submission).

Submission:

GeneDx
Classification: Uncertain significance. Last evaluated: 2024-12-17. Review status: criteria provided, single submitter. Criteria: GeneDx Variant Classification Process June 2021. Collection method: clinical testing. Allele origin: germline. Affected: yes.
Comment: Not observed at significant frequency in large population cohorts (gnomAD); In silico analysis indicates that this missense variant does not alter protein structure/function; Has not been previously published as pathogenic or benign to our knowledge